The following is an entry in ClinVar:

ClinVar aggregate classification (germline): Conflicting classifications of pathogenicity. Review status: criteria provided, conflicting classifications (1 of 4 stars). 2 submissions from 2 submitters: Likely pathogenic (1); Uncertain significance (1). Last evaluated 2025-12-30.

Allele frequency attached by ClinVar (database versions not stated): gnomAD exomes below 0.00001; gnomAD 0.00001; TOPMed below 0.00001; ExAC 0.00001.
gnomAD v4.1: 6 of 1,614,030 alleles (0.00037%); highest among the groups gnomAD compares: Non-Finnish European, 0.00042%; no homozygotes.

Submissions (2):

Labcorp Genetics (formerly Invitae), Labcorp
Classification: Uncertain significance. Last evaluated: 2025-12-30. Review status: criteria provided, single submitter. Criteria: Invitae Variant Classification Sherloc (09022015). Collection method: clinical testing. Allele origin: germline.
Comment: This sequence change creates a premature translational stop signal (p.Arg928*) in the KCNQ5 gene. While this is not anticipated to result in nonsense mediated decay, it is expected to disrupt the last 24 amino acid(s) of the KCNQ5 protein. This variant is not present in population databases (gnomAD no frequency). This variant has not been reported in the literature in individuals affected with KCNQ5-related conditions. ClinVar contains an entry for this variant (Variation ID: 987506). Experimental studies and prediction algorithms are not available or were not evaluated, and the functional significance of this variant is currently unknown. In summary, the available evidence is currently insufficient to determine the role of this variant in disease. Therefore, it has been classified as a Variant of Uncertain Significance.

Institute of Medical Genetics and Applied Genomics, University Hospital Tübingen
Classification: Likely pathogenic. Last evaluated: 2020-10-23. Review status: criteria provided, single submitter. Criteria: ACMG Guidelines, 2015. Collection method: clinical testing. Allele origin: germline. Inheritance: Unknown mechanism. Affected: yes.

NM_019842.4(KCNQ5):c.2725C>T (p.Arg909Ter)

Gene: KCNQ5 (potassium voltage-gated channel subfamily Q member 5; plus strand). Cytogenetic location: 6q13.
Variant type: single nucleotide variant.
Coding change: c.2725C>T on transcript NM_019842.4 (MANE Select); coding-DNA position 2725, C replaced by T.
Protein change: p.Arg909Ter; replaces arginine 909 with a stop codon.
Molecular consequence: nonsense.
Genome position (GRCh38, 1-based): chr6:73,195,340, C>T. VCF-style: chr6-73195340-C-T. GRCh37 (hg19) VCF-style: chr6-73905063-C-T.
Other names: c.2698C>T, p.Arg900Ter (NM_001160130.2); c.2755C>T, p.Arg919Ter (NM_001160132.2); c.2782C>T, p.Arg928Ter (NM_001160133.2); c.2395C>T, p.Arg799Ter (NM_001160134.2); short protein forms R799*, R900*, R909*, R919*, R928*.
Identifiers: ClinVar variation 987506 (VCV000987506.7), dbSNP rs776643693, ClinGen allele CA3887322.